The following is an entry in ClinVar:

NM_001032382.2(PQBP1):c.463C>T (p.Arg155Ter)

Gene: PQBP1 (polyglutamine binding protein 1; plus strand). Cytogenetic location: Xp11.23.
Variant type: single nucleotide variant.
Coding change: c.463C>T on transcript NM_001032382.2 (MANE Select); coding-DNA position 463, C replaced by T.
Protein change: p.Arg155Ter; replaces arginine 155 with a stop codon.
Molecular consequence: nonsense. On other transcripts: intron variant (2).
Genome position (GRCh38, 1-based): chrX:48,902,403, C>T. VCF-style: chrX-48902403-C-T. GRCh37 (hg19) VCF-style: chrX-48759680-C-T.
Other names: c.463C>T, p.Arg155Ter (NM_001032381.2, NM_001032383.2, NM_001032384.1 and 2 more transcripts); c.439C>T, p.Arg147Ter (NM_001167990.2); c.293-329C>T (NM_144495.3); c.202-39C>T (NM_001167992.1); short protein forms R147*, R155*.
Identifiers: ClinVar variation 816841 (VCV000816841.7), dbSNP rs1602330420, ClinGen allele CA412890269.
Genomic context (GRCh38, chrX:48,902,403, plus strand): 5'-CACGACAAGTCTGACAGGGATCGAGAGCGTGGCTATGACAAGGTAGACAGAGAGAGAGAG[C>T]GAGACAGGGAACGGGATCGGGACCGCGGGTATGACAAGGCAGACCGGGAAGAGGGCAAAG-3'

ClinVar aggregate classification (germline): Likely pathogenic. Review status: criteria provided, multiple submitters, no conflicts (2 of 4 stars). 3 submissions from 3 submitters: Likely pathogenic (2). 1 of the submissions does not count toward it. Last evaluated 2021-11-29.

Conditions:
Renpenning syndrome. Also called: MENTAL RETARDATION, X-LINKED 55; MENTAL RETARDATION, X-LINKED, SYNDROMIC 8; SUTHERLAND-HAAN X-LINKED MENTAL RETARDATION SYNDROME; GOLABI-ITO-HALL SYNDROME; Mental retardation, X-linked Renpenning type; X-linked mental retardation with spastic diplegia. Identifiers: Orphanet 3242, MedGen C0796135, MONDO:0010653, OMIM 309500.
Inborn genetic diseases. Identifiers: MedGen C0950123, MeSH D030342.

Submissions (3):

Illumina Laboratory Services, Illumina
Classification: Likely pathogenic for Renpenning syndrome. Last evaluated: 2021-11-29. Review status: criteria provided, single submitter. Criteria: ICSLVariantClassificationCriteria RUGD 01 April 2020. Collection method: clinical testing. Allele origin: unknown.
Comment: The PQBP1 c.463C>T (p.Arg155Ter) nonsense variant results in the substitution of arginine at amino acid position 155 with a stop codon. Loss of normal protein function through protein truncation has been shown in two studies (Mizugucghi et al. 2014; Chen et al. 2021). This variant is not found in version 2.1.1 or version 3.1.2 of the Genome Aggregation Database. Several loss of function variants have been reported at this site and nearby. Functional studies have shown the truncated C-terminal portion of the protein to be be critical for binding to the spliceosome or to prevent auto-inhibition (Mizugucghi et al. 2014; Jeong et al. 2018; Chen et al. 2021). Based on the available evidence, the c.463C>T (p.Arg155Ter) variant is classified as likely pathogenic for Renpenning syndrome.

Ambry Genetics
Classification: Likely pathogenic for Inborn genetic diseases. Last evaluated: 2019-11-22. Review status: criteria provided, single submitter. Criteria: Ambry exome assertion method (8-5-2015). Collection method: clinical testing. Allele origin: germline. Affected: yes. Observed: 1 variant allele.

Lupski Lab, Baylor-Hopkins CMG, Baylor College of Medicine
Classification: Pathogenic for Renpenning syndrome. Review status: no assertion criteria provided. Collection method: research. Allele origin: de novo. Inheritance: X-linked inheritance. Affected: yes. Observed: 1 variant allele, 1 hemizygote. Not counted in ClinVar's aggregate classification.

Literature cited by the submitters: PubMed 21267006 (cited by Illumina Laboratory Services, Illumina and Ambry Genetics); PubMed 31230720 (cited by Illumina Laboratory Services, Illumina); PubMed 24781215 (cited by Illumina Laboratory Services, Illumina and Ambry Genetics); PubMed 30143497 (cited by Illumina Laboratory Services, Illumina); PubMed 33668121 (cited by Illumina Laboratory Services, Illumina).